The following is an entry in ClinVar:

NM_001164508.2(NEB):c.24275_24278dup (p.His8093fs)

Genes: RIF1 (replication timing regulatory factor 1; plus strand), NEB (nebulin; minus strand). Cytogenetic location: 2q23.3.
Variant type: Duplication.
Coding change: c.24275_24278dup on transcript NM_001164508.2 (MANE Select); coding-DNA positions 24275 to 24278, 4 bases duplicated (AACA; older notation c.24275_24278dupAACA).
Protein change: p.His8093fs; shifts the reading frame from histidine 8093.
Molecular consequence: frameshift variant. On other transcripts: intron variant (1).
Genome position (GRCh38, 1-based): chr2:151,497,648-151,497,651, TGTT duplicated on the plus strand (AACA on the coding strand, the reverse complement: NEB is on the minus strand); duplicating any 4 consecutive bases within chr2:151,497,648-151,497,653 gives the same sequence; the c. name uses the placement nearest the transcript's 3' end. VCF-style (leftmost placement, unchanged base first): chr2-151497647-G-GTGTT. GRCh37 (hg19) VCF-style: chr2-152354161-G-GTGTT.
Other names: c.24380_24383dupAACA (NM_001271208.1); c.24275_24278dup, p.His8093fs (NM_001164507.2); c.24380_24383dup, p.His8128fs (NM_001271208.2); c.18826-1283_18826-1280dup (NM_004543.5); c.24380_24383dup (NM_001271208.1); short protein forms H8093fs, H8128fs.
Identifiers: ClinVar variation 558158 (VCV000558158.10), dbSNP rs1553551748, ClinGen allele CA537029848.

ClinVar aggregate classification (germline): Pathogenic/Likely pathogenic. Review status: criteria provided, multiple submitters, no conflicts (2 of 4 stars). 4 submissions from 4 submitters: Pathogenic (2); Likely pathogenic (1). 1 of the submissions does not count toward it. Last evaluated 2024-10-18.

Conditions:
Nemaline myopathy 2 (NEM2). Also called: Nemaline myopathy 2, autosomal recessive. Identifiers: MedGen C1850569, MONDO:0009725, OMIM 256030.
NEB-related disorder. Also called: NEB-Related Disorders; NEB-related condition.
Arthrogryposis multiplex congenita 6. Identifiers: MedGen C5543431, MONDO:0030281, OMIM 619334.

Submissions (4):

PreventionGenetics, part of Exact Sciences
Classification: Pathogenic for NEB-related condition. Last evaluated: 2024-10-18. Review status: criteria provided, single submitter. Criteria: ACMG Guidelines, 2015. Collection method: clinical testing. Allele origin: germline.
Comment: The NEB c.24380_24383dupAACA variant is predicted to result in a frameshift and premature protein termination (p.His8128Glnfs*8). To our knowledge, this variant has not been reported in the literature. This variant is reported in 0.0067% of alleles in individuals of East Asian descent in gnomAD. Frameshift variants in NEB are expected to be pathogenic. This variant is interpreted as pathogenic.

Baylor Genetics
Classification: Likely pathogenic for Arthrogryposis multiplex congenita 6. Last evaluated: 2024-02-20. Review status: criteria provided, single submitter. Criteria: ACMG Guidelines, 2015. Collection method: clinical testing. Allele origin: unknown.

Labcorp Genetics (formerly Invitae), Labcorp
Classification: Pathogenic for Nemaline myopathy 2. Last evaluated: 2024-02-12. Review status: criteria provided, single submitter. Criteria: Invitae Variant Classification Sherloc (09022015). Collection method: clinical testing. Allele origin: germline.
Comment: This sequence change creates a premature translational stop signal (p.His8128Glnfs*8) in the NEB gene. It is expected to result in an absent or disrupted protein product. Loss-of-function variants in NEB are known to be pathogenic (PMID: 25205138). This variant is present in population databases (no rsID available, gnomAD 0.007%). This variant has not been reported in the literature in individuals affected with NEB-related conditions. ClinVar contains an entry for this variant (Variation ID: 558158). Algorithms developed to predict the effect of sequence changes on RNA splicing suggest that this variant may disrupt the consensus splice site. For these reasons, this variant has been classified as Pathogenic.

Counsyl
Classification: Likely pathogenic for Nemaline myopathy 2. Last evaluated: 2018-05-02. Review status: no assertion criteria provided. Collection method: clinical testing. Allele origin: unknown. Not counted in ClinVar's aggregate classification.

Literature cited by the submitters: PubMed 25205138 (cited by Labcorp Genetics (formerly Invitae), Labcorp).